The following is an entry in ClinVar:

NM_032043.3(BRIP1):c.2992_2993del (p.Lys998fs)

Gene: BRIP1 (BRCA1 interacting DNA helicase 1; minus strand). Cytogenetic location: 17q23.2.
Variant type: Deletion.
Coding change: c.2992_2993del on transcript NM_032043.3 (MANE Select); coding-DNA positions 2992 to 2993, 2 bases deleted (AA; older notation c.2992_2993delAA).
Protein change: p.Lys998fs; shifts the reading frame from lysine 998.
Molecular consequence: frameshift variant.
Genome position (GRCh38, 1-based): chr17:61,684,053-61,684,054, TT deleted on the plus strand (AA on the coding strand, the reverse complement: BRIP1 is on the minus strand); deleting any 2 consecutive bases within chr17:61,684,053-61,684,055 gives the same sequence; the c. name uses the placement nearest the transcript's 3' end. VCF-style (leftmost placement, unchanged base first): chr17-61684052-CTT-C. GRCh37 (hg19) VCF-style: chr17-59761413-CTT-C.
Other names: c.2992_2993delAA (NM_032043.2).
Identifiers: ClinVar variation 241648 (VCV000241648.39), dbSNP rs878855151, ClinGen allele CA10583617.

ClinVar aggregate classification (germline): Conflicting classifications of pathogenicity. Review status: criteria provided, conflicting classifications (1 of 4 stars). 16 submissions from 16 submitters: Pathogenic (4); Likely pathogenic (7); Uncertain significance (5). Last evaluated 2026-02-20.

Conditions:
Familial ovarian cancer. Identifiers: MedGen C5679802, MONDO:0016248.
BRIP1-related disorder. Also called: BRIP1-related condition; BRIP1-related disorders. Identifiers: MedGen CN239206.
BRIP1-associated familial cancer predisposition.
Hereditary cancer-predisposing syndrome. Also called: Hereditary neoplastic syndrome; Hereditary Cancer Syndrome; Neoplastic Syndromes, Hereditary; Tumor predisposition. Identifiers: Orphanet 140162, MedGen C0027672, MeSH D009386, MONDO:0015356.
Familial cancer of breast. Also called: Hereditary breast cancer; BREAST CANCER, FAMILIAL; hereditary breast carcinoma. Identifiers: Orphanet 227535, MedGen C0346153, MONDO:0016419, OMIM 114480. Disease mechanism: loss of function.
Fanconi anemia complementation group J. Also called: BRIP1-Related Fanconi Anemia. Identifiers: Orphanet 84, MedGen C1836860, MONDO:0012187, OMIM 609054.
Hereditary breast ovarian cancer syndrome. Also called: BRCA1- and BRCA2-Associated Hereditary Breast and Ovarian Cancer; Breast and ovarian cancer; Hereditary breast and/or ovarian cancer syndrome; Hereditary breast and ovarian cancer syndrome (HBOC); Hereditary breast and ovarian cancer syndrome; Hereditary breast and ovarian cancer. Identifiers: Orphanet 145, MedGen C0677776, MeSH D061325, MONDO:0003582. Disease mechanism: loss of function.
Breast-ovarian cancer, familial, susceptibility to, 1 (BROVCA1). Also called: OVARIAN CANCER, SUSCEPTIBILITY TO; BRCA1 Hereditary Breast and Ovarian Cancer. Identifiers: Orphanet 145, MedGen C2676676, MONDO:0011450, OMIM 604370. Disease mechanism: loss of function.
Breast cancer, early-onset. Identifiers: MedGen C4016951.

Submissions 1 to 10 of 16:

Institute of Medical Genetics and Applied Genomics, University Hospital Tübingen
Classification: Uncertain significance for Breast-ovarian cancer, familial, susceptibility to, 1. Last evaluated: 2026-02-20. Review status: criteria provided, single submitter. Criteria: ACMG Guidelines, 2015. Collection method: clinical testing. Allele origin: germline. Inheritance: Autosomal dominant inheritance. Affected: yes.

German Consortium for Hereditary Breast and Ovarian Cancer, University Hospital Cologne
Classification: Uncertain significance for Hereditary breast ovarian cancer syndrome. Last evaluated: 2025-12-09. Review status: criteria provided, single submitter. Criteria: ACMG Guidelines, 2015. Collection method: curation. Allele origin: germline.
Comment: This classification follows the ACMG SVI adaptation classification scheme; We chose these criteria: PVS1 (supporting pathogenic): GC-HBOC VCEP (≥ c.2947 (p.983): PVS1_SUP), PS4 (supporting pathogenic): Reported in the literature in individuals affected with Hereditary Breast And Ovarian Cancer Syndrome (Maxwell 2015 (PMID: 25503501), Lilyquist 2017 (PMID: 28888541), Nassar 2020 (PMID: 31844177)), but also been reported in an unaffected individual with a family history of breast cancer (Mersch 2018 (PMID: 30264118)) and in healthy controls (e.g. FLOSSIES database)

Labcorp Genetics (formerly Invitae), Labcorp
Classification: Uncertain significance for Familial cancer of breast; Fanconi anemia complementation group J. Last evaluated: 2025-10-23. Review status: criteria provided, single submitter. Criteria: Invitae Variant Classification Sherloc (09022015). Collection method: clinical testing. Allele origin: germline.
Comment: This sequence change creates a premature translational stop signal (p.Lys998Glufs*3) in the BRIP1 gene. While this is not anticipated to result in nonsense mediated decay, it is expected to disrupt the last 252 amino acid(s) of the BRIP1 protein. This variant is present in population databases (no rsID available, gnomAD 0.007%). This premature translational stop signal has been observed in individual(s) with breast, ovarian and/or bladder cancer (PMID: 25503501, 26921362, 28888541, 30254378, 32359370). ClinVar contains an entry for this variant (Variation ID: 241648). In summary, the available evidence is currently insufficient to determine the role of this variant in disease. Therefore, it has been classified as a Variant of Uncertain Significance.

Quest Diagnostics Nichols Institute San Juan Capistrano
Classification: Uncertain significance. Last evaluated: 2025-10-06. Review status: criteria provided, single submitter. Criteria: Quest Diagnostics criteria. Collection method: clinical testing. Allele origin: unknown.
Comment: The BRIP1 c.2992_2993del (p.Lys998Glufs*3) variant alters the translational reading frame of the BRIP1 mRNA and occurs in the last exon of the BRIP1 gene. It is not expected to trigger nonsense-mediated decay but results in the loss of the last 249 amino acids of the BRIP1 protein. This variant has been reported in the published literature in individuals with ovarian cancer (PMID: 28888541 (2017)), breast cancer (PMID: 25503501 (2015), 26921362 (2016), 31844177 (2020), 33552952 (2020)), and bladder cancer (25503501 (2015), 31844177 (2020)), and in reportedly unaffected individuals (PMID: 30264118 (2018), 26921362 (2016), 26786923 (2016)). The frequency of this variant in the general population (Genome Aggregation Database) is uninformative in the assessment of its pathogenicity. Based on the available information, we are unable to determine the clinical significance of this variant.

Ambry Genetics
Classification: Uncertain significance for Hereditary cancer-predisposing syndrome. Last evaluated: 2025-04-24. Review status: criteria provided, single submitter. Criteria: Ambry Variant Classification Scheme 2023. Collection method: clinical testing. Allele origin: germline.
Comment: The c.2992_2993delAA variant, located in coding exon 19 of the BRIP1 gene, results from a deletion of two nucleotides at nucleotide positions 2992 to 2993, causing a translational frameshift with a predicted alternate stop codon (p.K998Efs*3). This alteration occurs at the 3' terminus of theBRIP1 gene, is not expected to trigger nonsense-mediated mRNA decay, and impacts the last 252 amino acids of the protein. The exact functional effect of this alteration is unknown. While the C-terminal region of the BRIP1 protein has been shown by structural, biochemical, and mutational analysis to be relevant for some aspects of BRIP1 protein function (Gong Z et al. Mol. Cell, 2010 Feb;37:438-46; Leung CC et al. J. Biol. Chem. 2011 Feb; 286(6):4292-301; Xie J et al. PLoS Genet. 2012 Jul; 8(7):e1002786), functional studies have shown that truncations in the 3' terminus of BRIP1 display normal function in response to intra-strand cross-linking agents (Calvo JA et al. Mol Cancer Res, 2021 Jun;19:1015-1025). In addition, 3' truncations in BRIP1 occurring upstream of this variant have been detected in the homozygous or compound heterozygous state in individuals with no reported features of BRIP1-related Fanconi Anemia (FA-J) (Ambry internal data). Based on the available evidence, the clinical significance of this variant remains unclear.

Color Diagnostics, LLC DBA Color Health
Classification: Likely pathogenic for Hereditary cancer-predisposing syndrome. Last evaluated: 2024-06-17. Review status: criteria provided, single submitter. Criteria: ACMG Guidelines, 2015. Collection method: clinical testing. Allele origin: germline.
Comment: This variant deletes 2 nucleotides in exon 20 of the BRIP1 gene, creating a frameshift and premature translation stop signal in the last coding exon. The mutant transcript is expected to escape nonsense-mediated decay and be expressed as a truncated protein. Although functional studies have not been reported for this variant, it is expected to disrupt functional domains involved in BRCA1-binding and DNA damage and replication stress response (PMID: 11301010, 14983014, 20159562, 20173781, 22792074). This variant has been reported in individuals affected with ovarian cancer, breast cancer and urothelial carcinoma (PMID: 25503501, 26921362, 31844177, 33552952) and in unaffected individuals (PMID: 26786923, 28888541, 30254378, 30264118). One of the individuals affected with breast cancer also carried a pathogenic variant in BRCA1 (PMID: 33552952). This variant has been identified in 1/250982 chromosomes in the general population by the Genome Aggregation Database (gnomAD). Loss of BRIP1 function is a known mechanism of disease. Based on the available evidence, this variant is classified as Likely Pathogenic.

Molecular Pathology, Peter Maccallum Cancer Centre
Classification: Likely pathogenic for Familial ovarian cancer. Last evaluated: 2024-05-29. Review status: criteria provided, single submitter. Criteria: ACMG Guidelines, 2015. Collection method: clinical testing. Allele origin: germline. Inheritance: Autosomal dominant inheritance.

Fulgent Genetics
Classification: Likely pathogenic for Familial cancer of breast; Fanconi anemia complementation group J. Last evaluated: 2024-03-08. Review status: criteria provided, single submitter. Criteria: ACMG Guidelines, 2015. Collection method: clinical testing. Allele origin: germline.

Baylor Genetics
Classification: Pathogenic for Familial cancer of breast. Last evaluated: 2023-10-30. Review status: criteria provided, single submitter. Criteria: ACMG Guidelines, 2015. Collection method: clinical testing. Allele origin: unknown.

GeneDx
Classification: Pathogenic. Last evaluated: 2023-10-29. Review status: criteria provided, single submitter. Criteria: GeneDx Variant Classification Process June 2021. Collection method: clinical testing. Allele origin: germline. Affected: yes.
Comment: Frameshift variant predicted to result in abnormal protein length as the last 252 amino acids are replaced with 2 different amino acids; Not observed at significant frequency in large population cohorts (gnomAD); Observed in individuals with breast cancer, ovarian cancer, urothelial cancer, and also detected in unaffected controls (PMID: 26921362, 28888541, 31844177, 26786923, 25503501, 33552952); This variant is associated with the following publications: (PMID: 29922827, 30264118, 26786923, 26921362, 28888541, 31844177, 11301010, 21127055, 20159562, 18628483, 28423363, 32359370, 36260514, 25503501, 33552952)